The following is an entry in ClinVar:

NM_000088.4(COL1A1):c.1037C>T (p.Pro346Leu)

Gene: COL1A1 (collagen type I alpha 1 chain; minus strand). Cytogenetic location: 17q21.33.
Variant type: single nucleotide variant.
Coding change: c.1037C>T on transcript NM_000088.4 (MANE Select); coding-DNA position 1037, C replaced by T.
Protein change: p.Pro346Leu; replaces proline 346 with leucine.
Molecular consequence: missense variant.
Genome position (GRCh38, 1-based): chr17:50,195,942, G>A on the plus strand (C>T on the coding strand, the complement: COL1A1 is on the minus strand). VCF-style: chr17-50195942-G-A. GRCh37 (hg19) VCF-style: chr17-48273303-G-A.
Other names: short protein forms P346L.
Identifiers: ClinVar variation 1676371 (VCV001676371.9), dbSNP rs372658559, ClinGen allele CA8645424.

ClinVar aggregate classification (germline): Conflicting classifications of pathogenicity. Review status: criteria provided, conflicting classifications (1 of 4 stars). 3 submissions from 3 submitters: Uncertain significance (1); Likely benign (2). Last evaluated 2026-05-26.

Conditions:
Cardiovascular phenotype. Identifiers: MedGen CN230736.
Osteogenesis imperfecta type I (OI1). Also called: OI, TYPE I; OSTEOGENESIS IMPERFECTA TARDA; OSTEOGENESIS IMPERFECTA WITH BLUE SCLERAE; Osteogenesis imperfecta type 1; Classic Non-deforming Osteogenesis Imperfecta with Blue Sclerae; Lobstein's Disease. Identifiers: Orphanet 216796, Orphanet 666, MedGen C0023931, MONDO:0008146, OMIM 166200. Disease mechanism: loss of function.

gnomAD v4.1: 25 of 1,591,016 alleles (0.0016%); highest among the groups gnomAD compares: African/African-American, 0.032%; no homozygotes.

Submissions (3):

Ambry Genetics
Classification: Likely benign for Cardiovascular phenotype. Last evaluated: 2026-05-26. Review status: criteria provided, single submitter. Criteria: Ambry Variant Classification Scheme 2023. Collection method: clinical testing. Allele origin: germline.

Labcorp Genetics (formerly Invitae), Labcorp
Classification: Likely benign for Osteogenesis imperfecta type I. Last evaluated: 2025-07-30. Review status: criteria provided, single submitter. Criteria: Invitae Variant Classification Sherloc (09022015). Collection method: clinical testing. Allele origin: germline.

GeneDx
Classification: Uncertain significance. Last evaluated: 2022-03-22. Review status: criteria provided, single submitter. Criteria: GeneDx Variant Classification Process June 2021. Collection method: clinical testing. Allele origin: germline. Affected: yes.
Comment: Has not been previously published as pathogenic or benign to our knowledge; Occurs in the triple helical domain at the Y position in the canonical Gly-X-Y repeat; although this variant may have an effect on normal protein folding and function, missense substitution at the Y position is not a common mechanism of disease (HGMD); In silico analysis supports that this missense variant has a deleterious effect on protein structure/function